The following is an entry in ClinVar:

NM_021614.4(KCNN2):c.548C>A (p.Ser183Ter)

Gene: KCNN2 (potassium calcium-activated channel subfamily N member 2; plus strand). Cytogenetic location: 5q22.3.
Variant type: single nucleotide variant.
Coding change: c.548C>A on transcript NM_021614.4 (MANE Select); coding-DNA position 548, C replaced by A.
Protein change: p.Ser183Ter; replaces serine 183 with a stop codon.
Molecular consequence: nonsense. On other transcripts: non-coding transcript variant (1).
Genome position (GRCh38, 1-based): chr5:114,362,687, C>A. VCF-style: chr5-114362687-C-A. GRCh37 (hg19) VCF-style: chr5-113698384-C-A.
Other names: c.746C>A, p.Ser249Ter (NM_001372233.1); short protein forms S183*, S249*.
Identifiers: ClinVar variation 3775904 (VCV003775904.1).

ClinVar aggregate classification (germline): Likely pathogenic (1 of 4 stars; one submission).

Conditions:
Neurodevelopmental disorder with or without variable movement or behavioral abnormalities (NEDMAB). Identifiers: MedGen C5676908, MONDO:0859225, OMIM 619725.

Submission:

3billion
Classification: Likely pathogenic for Neurodevelopmental disorder with or without variable movement or behavioral abnormalities. Last evaluated: 2023-12-01. Review status: criteria provided, single submitter. Criteria: ACMG Guidelines, 2015. Collection method: clinical testing. Allele origin: germline. Affected: yes.
Comment: The variant is not observed in the gnomAD v2.1.1 dataset. Predicted Consequence/Location: Stop-gained (nonsense): predicted to result in a loss or disruption of normal protein function through nonsense-mediated decay (NMD) or protein truncation. Multiple pathogenic variants are reported downstream of the variant. Therefore, this variant is classified as Likely pathogenic according to the recommendation of ACMG/AMP guideline.